The following is an entry in ClinVar:

ClinVar aggregate classification (germline): Uncertain significance (1 of 4 stars; one submission).

Conditions:
Marfan syndrome (MFS). Also called: MARFAN SYNDROME, TYPE I; Marfan syndrome type 1; Marfan's syndrome; Marfan syndrome, classic; FBN1-Related Marfan Syndrome. Identifiers: Orphanet 284963, Orphanet 558, MedGen C0024796, MONDO:0007947, OMIM 154700.
Familial thoracic aortic aneurysm and aortic dissection (TAAD). Also called: Thoracic aortic aneurysms and dissections. Identifiers: Orphanet 91387, MedGen C4707243, MONDO:0019625.

Submission:

Labcorp Genetics (formerly Invitae), Labcorp
Classification: Uncertain significance for Marfan syndrome; Familial thoracic aortic aneurysm and aortic dissection. Last evaluated: 2022-02-27. Review status: criteria provided, single submitter. Criteria: Invitae Variant Classification Sherloc (09022015). Collection method: clinical testing. Allele origin: germline.
Comment: In summary, the available evidence is currently insufficient to determine the role of this variant in disease. Therefore, it has been classified as a Variant of Uncertain Significance. Algorithms developed to predict the effect of sequence changes on RNA splicing suggest that this variant may disrupt the consensus splice site. This variant has been observed in individual(s) with Marfan syndrome (Invitae). This variant is not present in population databases (gnomAD no frequency). This sequence change falls in intron 37 of the FBN1 gene. It does not directly change the encoded amino acid sequence of the FBN1 protein.

NM_000138.5(FBN1):c.4583-10T>A

Gene: FBN1 (fibrillin 1; minus strand). Cytogenetic location: 15q21.1.
Variant type: single nucleotide variant.
Coding change: c.4583-10T>A on transcript NM_000138.5 (MANE Select); 10 bases into the intron before coding-DNA position 4583, T replaced by A.
Molecular consequence: intron variant.
Genome position (GRCh38, 1-based): chr15:48,468,112, A>T on the plus strand (T>A on the coding strand, the complement: FBN1 is on the minus strand). VCF-style: chr15-48468112-A-T. GRCh37 (hg19) VCF-style: chr15-48760309-A-T.
Identifiers: ClinVar variation 1448310 (VCV001448310.8), dbSNP rs1379865323, ClinGen allele CA2573150816.
Genomic context (GRCh38, chr15:48,468,112, plus strand): 5'-CATTGTCTCCTCGAGGTCGAATATCCAAATAGCAATTTCCAGAGCGGGTATCTATTTACC[A>T]TATACAAACACAAAAGCATCAGGCAGAATCTTTCTACTGGGGTTGAAAATTCAAACCCAC-3'